The following is an entry in ClinVar:

NM_000202.8(IDS):c.1197_1250dup (p.Leu416_Gln417insHisLeuValGluLeuValSerLeuPheProThrLeuAlaGlyLeuAlaGlyLeu)

Gene: IDS (iduronate 2-sulfatase; minus strand). Cytogenetic location: Xq28.
Variant type: Duplication.
Coding change: c.1197_1250dup on transcript NM_000202.8 (MANE Select); coding-DNA positions 1197 to 1250, 54 bases duplicated.
Protein change: p.Leu416_Gln417insHisLeuValGluLeuValSerLeuPheProThrLeuAlaGlyLeuAlaGlyLeu.
Molecular consequence: inframe insertion.
Genome position (GRCh38, 1-based): chrX:149,483,149-149,483,202, 54 bases duplicated. GRCh37 (hg19): chrX:148,564,681-148,564,734.
Other names: c.927_980dup, p.Leu326_Gln327insHisLeuValGluLeuValSerLeuPheProThrLeuAlaGlyLeuAlaGlyLeu (NM_001166550.4).
Identifiers: ClinVar variation 3255986 (VCV003255986.2).

ClinVar aggregate classification (germline): Likely pathogenic (1 of 4 stars; one submission).

Conditions:
Mucopolysaccharidosis, MPS-II (MPS2). Also called: Hunter Syndrome; IDURONATE 2-SULFATASE DEFICIENCY; Mucopolysaccharidosis Type II; Mucopolysaccharidosis type 2; Attenuated MPS (subtype; formerly known as mild MPS II); Severe MPS II. Identifiers: Orphanet 580, Orphanet 79388, MedGen C0026705, MONDO:0010674, OMIM 309900.

Submission:

Laboratory of Diagnosis and Therapy of Lysosomal Disorders, University of Padova
Classification: Likely pathogenic for Mucopolysaccharidosis, MPS-II. Last evaluated: 2024-06-07. Review status: criteria provided, single submitter. Criteria: ACMG Guidelines, 2015. Collection method: literature only. Allele origin: germline. Affected: yes. Observed: 1 variant allele.
Comment: De novo (PS2_Moderate), Absent from controls (or at low frequency) in gnomAD database (PM2_Moderate), Multiple lines of computational evidence support a deleterious effect (PP3_Supporting), Patient’s phenotype or family history highly specific for the disease (PP4_Strong)

Classification method: ACMG Guidelines [PMID:25741868] with modifications

Literature cited by the submitters: PubMed 22976768.